The following is an entry in ClinVar:

ClinVar aggregate classification (germline): Conflicting classifications of pathogenicity. Review status: criteria provided, conflicting classifications (1 of 4 stars). 3 submissions from 3 submitters: Likely pathogenic (2); Uncertain significance (1). Last evaluated 2026-06-18.

Conditions:
Colorectal cancer, hereditary nonpolyposis, type 7. Identifiers: Orphanet 144, MedGen C1858380, MONDO:0013725, OMIM 614385.

Allele frequency attached by ClinVar (database versions not stated): TOPMed below 0.00001.
gnomAD v4.1: 3 of 1,600,318 alleles (0.00019%); highest among the groups gnomAD compares: Non-Finnish European, 0.00026%; no homozygotes.

Submissions (3):

Myriad Genetics, Inc.
Classification: Likely pathogenic for Colorectal cancer, hereditary nonpolyposis, type 7. Last evaluated: 2026-06-18. Review status: criteria provided, single submitter. Criteria: Myriad Autosomal Dominant, Autosomal Recessive and X-Linked Classification Criteria (2023). Collection method: clinical testing. Allele origin: unknown.
Comment: This variant is considered likely pathogenic. This variant occurs within a consensus splice junction and is predicted to result in abnormal mRNA splicing of either an out-of-frame exon or an in-frame exon necessary for protein stability and/or normal function.

Ambry Genetics
Classification: Likely pathogenic. Last evaluated: 2026-06-17. Review status: criteria provided, single submitter. Criteria: Ambry Variant Classification Scheme 2023. Collection method: clinical testing. Allele origin: germline.
Comment: The c.3571-1G>T intronic variant results from a G to T substitution one nucleotide upstream from coding exon 5 of the MLH3 gene. This nucleotide position is highly conserved in available vertebrate species. In silico splice site analysis predicts that this alteration will weaken the native splice acceptor site; however, direct evidence is insufficient at this time (Ambry internal data). Alterations that disrupt the canonical splice site are expected to cause aberrant splicing, resulting in an abnormal protein or a transcript that is subject to nonsense-mediated mRNA decay. Based on the majority of available evidence to date, this variant is likely to be pathogenic.

Labcorp Genetics (formerly Invitae), Labcorp
Classification: Uncertain significance for Colorectal cancer, hereditary nonpolyposis, type 7. Last evaluated: 2022-08-18. Review status: criteria provided, single submitter. Criteria: Invitae Variant Classification Sherloc (09022015). Collection method: clinical testing. Allele origin: germline.
Comment: Algorithms developed to predict the effect of sequence changes on RNA splicing suggest that this variant may disrupt the consensus splice site. In summary, the available evidence is currently insufficient to determine the role of this variant in disease. Therefore, it has been classified as a Variant of Uncertain Significance. This variant has not been reported in the literature in individuals affected with MLH3-related conditions. This variant is not present in population databases (gnomAD no frequency). This sequence change affects an acceptor splice site in intron 5 of the MLH3 gene. It is expected to disrupt RNA splicing. Variants that disrupt the donor or acceptor splice site typically lead to a loss of protein function (PMID: 16199547), however the current clinical and genetic evidence is not sufficient to establish whether loss-of-function variants in MLH3 cause disease.

Literature cited by the submitters: PubMed 16199547 (cited by Labcorp Genetics (formerly Invitae), Labcorp).

NM_001040108.2(MLH3):c.3571-1G>T

Gene: MLH3 (mutL homolog 3; minus strand). Cytogenetic location: 14q24.3.
Variant type: single nucleotide variant.
Coding change: c.3571-1G>T on transcript NM_001040108.2 (MANE Select); the canonical splice acceptor site of the intron before coding-DNA position 3571, G replaced by T.
Molecular consequence: splice acceptor variant.
Genome position (GRCh38, 1-based): chr14:75,038,413, C>A on the plus strand (G>T on the coding strand, the complement: MLH3 is on the minus strand). VCF-style: chr14-75038413-C-A. GRCh37 (hg19) VCF-style: chr14-75505116-C-A.
Other names: c.3571-1G>T (NM_014381.3, NM_001040108.1).
Identifiers: ClinVar variation 2075315 (VCV002075315.7), dbSNP rs1891572466, ClinGen allele CA390427348.